The following is an entry in ClinVar:

NM_001379500.1(COL18A1):c.107-11425C>T

Gene: COL18A1 (collagen type XVIII alpha 1 chain; plus strand). Cytogenetic location: 21q22.3.
Variant type: single nucleotide variant.
Coding change: c.107-11425C>T on transcript NM_001379500.1 (MANE Select); 11425 bases into the intron before coding-DNA position 107, C replaced by T.
Molecular consequence: intron variant. On other transcripts: synonymous variant (1).
Genome position (GRCh38, 1-based): chr21:45,456,817, C>T. VCF-style: chr21-45456817-C-T. GRCh37 (hg19) VCF-style: chr21-46876731-C-T.
Other names: c.1287C>T, p.Pro429= (NM_130444.3); c.646+641C>T (NM_030582.4).
Identifiers: ClinVar variation 3351704 (VCV003351704.2).
Genomic context (GRCh38, chr21:45,456,817, plus strand): 5'-CCAGTTCTGCGAGGCCCTGCAGGATGCGTGTTGGAGCCGCCTGGGCGGGGGCCGGCTGCC[C>T]GTCGCCTGTGCCTCGCTCCCGACCCAGGAGGATGGGTACTGTGTGCTCATTGGGCCGGCT-3'

ClinVar aggregate classification (germline): Likely benign. Review status: criteria provided, single submitter (1 of 4 stars). 2 submissions from 2 submitters: Likely benign (1). 1 of the submissions does not count toward it. Last evaluated 2023-06-23.

Conditions:
COL18A1-related disorder. Also called: COL18A1-related disorders; COL18A1-related condition.

gnomAD v4.1: 81 of 1,530,220 alleles (0.0053%); highest among the groups gnomAD compares: Admixed American, 0.054%; no homozygotes.

Submissions (2):

Blueprint Genetics
Classification: Likely benign. Last evaluated: 2023-06-23. Review status: criteria provided, single submitter. Criteria: ACMG Guidelines, 2015. Collection method: clinical testing. Allele origin: germline.

PreventionGenetics, part of Exact Sciences
Classification: Likely benign for COL18A1-related condition. Last evaluated: 2024-03-21. Review status: no assertion criteria provided. Collection method: clinical testing. Allele origin: germline. Not counted in ClinVar's aggregate classification.
Comment: This variant is classified as likely benign based on ACMG/AMP sequence variant interpretation guidelines (Richards et al. 2015 PMID: 25741868, with internal and published modifications).